The following is an entry in ClinVar:

ClinVar aggregate classification (germline): Pathogenic (1 of 4 stars; one submission).

Conditions:
Familial cancer of breast. Also called: BREAST CANCER, FAMILIAL; hereditary breast carcinoma; Hereditary breast cancer. Identifiers: Orphanet 227535, MedGen C0346153, MONDO:0016419, OMIM 114480. Disease mechanism: loss of function.

Submission:

Labcorp Genetics (formerly Invitae), Labcorp
Classification: Pathogenic for Familial cancer of breast. Last evaluated: 2024-02-06. Review status: criteria provided, single submitter. Criteria: Invitae Variant Classification Sherloc (09022015). Collection method: clinical testing. Allele origin: germline.
Comment: This sequence change creates a premature translational stop signal (p.Ser194Argfs*11) in the CHEK2 gene. It is expected to result in an absent or disrupted protein product. Loss-of-function variants in CHEK2 are known to be pathogenic (PMID: 21876083, 24713400). This variant is not present in population databases (gnomAD no frequency). This variant has not been reported in the literature in individuals affected with CHEK2-related conditions. For these reasons, this variant has been classified as Pathogenic.

Literature cited by the submitters: PubMed 21876083; PubMed 24713400.

NM_007194.4(CHEK2):c.582del (p.Ser194fs)

Gene: CHEK2 (checkpoint kinase 2; minus strand). Cytogenetic location: 22q12.1.
Variant type: Deletion.
Coding change: c.582del on transcript NM_007194.4 (MANE Select); coding-DNA position 582, one base deleted (C; older notation c.582delC).
Protein change: p.Ser194fs; shifts the reading frame from serine 194.
Molecular consequence: frameshift variant. On other transcripts: 5 prime UTR variant (2), intron variant (1).
Genome position (GRCh38, 1-based): chr22:28,724,987, G deleted on the plus strand (C on the coding strand, the reverse complement: CHEK2 is on the minus strand). VCF-style (leftmost placement, unchanged base first): chr22-28724986-TG-T. GRCh37 (hg19) VCF-style: chr22-29120974-TG-T.
Other names: c.711del, p.Ser237fs (NM_001005735.3, NM_001438294.1); c.-196del (NM_001257387.3); c.-82del (NM_001437942.1); c.675del, p.Ser225fs (NM_001438293.1, NM_001438295.1); c.582del, p.Ser194fs (NM_145862.3); c.445-64del (NM_001349956.3); short protein forms S194fs, S237fs, S225fs.
Identifiers: ClinVar variation 3612316 (VCV003612316.2).